The following is an entry in ClinVar:

NM_182961.4(SYNE1):c.-224+1G>A

Gene: SYNE1 (spectrin repeat containing nuclear envelope protein 1; minus strand). Cytogenetic location: 6q25.2.
Variant type: single nucleotide variant.
Coding change: c.-224+1G>A on transcript NM_182961.4 (MANE Select); the canonical splice donor site of the intron after 224 bases upstream of the start codon, G replaced by A.
Molecular consequence: splice donor variant.
Genome position (GRCh38, 1-based): chr6:152,636,637, C>T on the plus strand (G>A on the coding strand, the complement: SYNE1 is on the minus strand). VCF-style: chr6-152636637-C-T. GRCh37 (hg19) VCF-style: chr6-152957772-C-T.
Other names: c.-224+1G>A (NM_033071.5).
Identifiers: ClinVar variation 2500093 (VCV002500093.2), dbSNP rs943137386, ClinGen allele CA150445352.
Genomic context (GRCh38, chr6:152,636,637, plus strand): 5'-CTCTCTCTCCTCTCCCTGTCTCTGTCTCTCCCTGTCTCCCAGTCTCTGTCTTTCCTTTTA[C>T]CTTCTCTCTCGGCCTCGTTCAGTTTCCCAGCAGCAAGGCGAAGCGAGCGAACGCTTCCTC-3'

ClinVar aggregate classification (germline): Uncertain significance (1 of 4 stars; one submission).

Conditions:
Arthrogryposis multiplex congenita 3, myogenic type. Also called: ARTHROGRYPOSIS MULTIPLEX CONGENITA, MYOGENIC TYPE. Identifiers: MedGen C5193121, MONDO:0032778, OMIM 618484.
Emery-Dreifuss muscular dystrophy 4, autosomal dominant (EDMD4). Also called: EMERY-DREIFUSS MUSCULAR DYSTROPHY 4 WITH VARIABLE FEATURES. Identifiers: Orphanet 261, MedGen C2751807, MONDO:0013071, OMIM 612998.
Autosomal recessive ataxia, Beauce type. Also called: ATAXIA, RECESSIVE, OF BEAUCE; SYNE1 Deficiency; Spinocerebellar ataxia, autosomal recessive 8; SYNE1-Related Autosomal Recessive Cerebellar Ataxia. Identifiers: Orphanet 88644, MedGen C1853116, MONDO:0012549, OMIM 610743.

Submission:

Center for Genomics, Ann and Robert H. Lurie Children's Hospital of Chicago
Classification: Uncertain significance for Arthrogryposis multiplex congenita 3, myogenic type; Emery-Dreifuss muscular dystrophy 4, autosomal dominant; Autosomal recessive ataxia, Beauce type. Review status: criteria provided, single submitter. Criteria: ACMG Guidelines, 2015. Collection method: clinical testing. Allele origin: germline.
Comment: SYNE1 NM_033071.3 exon 1 c.-224+1G>A: This variant has not been reported in the literature, and data from large control databases is insufficient for this variant. Evolutionary conservation and computational predictive tools for this variant are limited or unavailable. Of note, this variant alters the consensus splice sequence (+/- 1,2) which is predicted to impact splicing. However, this variant is located within the 5' UTR of the protein, and further studies are needed to understand its impact. In summary, data on this variant is insufficient for disease classification. Therefore, the clinical significance of this variant is uncertain